The following continues an entry in ClinVar:

NM_000059.4(BRCA2):c.8378G>A (p.Gly2793Glu)

Gene: BRCA2. ClinVar aggregate classification (germline): Likely pathogenic. Likely pathogenic (1).

Submissions 5 to 15 of 15:

Ambry Genetics
Classification: Likely pathogenic for Hereditary cancer-predisposing syndrome. Last evaluated: 2025-03-21. Review status: criteria provided, single submitter. Criteria: Ambry Variant Classification Scheme 2023. Collection method: clinical testing. Allele origin: germline. Not counted in ClinVar's aggregate classification.
Comment: The p.G2793E variant (also known as c.8378G>A), located in coding exon 18 of the BRCA2 gene, results from a G to A substitution at nucleotide position 8378. The glycine at codon 2793 is replaced by glutamic acid, an amino acid with similar properties. This alteration was found to produce exon 19 skipping; however, the majority of transcript produced by this alteration is wildtype (Acedo A et al. Breast Cancer Res. 2012 May;14:R87). This amino acid substitution was shown to be defective in a homology directed repair assays (Guidugli L et al. Cancer Res. 2013 Jan;73:265-75; Guidugli L et al. Am. J. Hum. Genet. 2018 Jan;102:233-248; Hart SN et al. Genet. Med. 2019 01;21:71-80; Richardson ME et al. Am J Hum Genet, 2021 03;108:458-468). In addition, two saturation genome editing-based studies, including a haploid cell-survival assay and a humanized mouse embryonic stem cell line assay of drug response and survival, demonstrate that this nucleotide substitution is functional(Huang H et al. Nature. 2025 Feb;638(8050):528-537; Sahu S et al. Nature. 2025 Feb;638(8050):538-545). Based on internal structural analysis, this alteration is predicted to disrupt binding to DSS1 and is more destabilizing to the local structure than other known pathogenic variants (Ambry internal data). This variant is considered to be rare based on population cohorts in the Genome Aggregation Database (gnomAD). This amino acid position is highly conserved in available vertebrate species. In addition, this alteration is predicted to be deleterious by in silico analysis. Based on the majority of available evidence to date, this variant is likely to be pathogenic.

Quest Diagnostics Nichols Institute San Juan Capistrano
Classification: Likely pathogenic. Last evaluated: 2025-01-14. Review status: criteria provided, single submitter. Criteria: Quest Diagnostics criteria. Collection method: clinical testing. Allele origin: unknown. Not counted in ClinVar's aggregate classification.
Comment: Experimental studies indicate this variant has deleterious effects on BRCA2 homology-directed DNA repair activity (PMIDs: 23108138 (2013), 29394989 (2018), 29884841 (2019)). This variant has not been reported in large, multi-ethnic general populations (Genome Aggregation Database). Based on the available information, this variant is classified as likely pathogenic.

PreventionGenetics, part of Exact Sciences
Classification: Likely pathogenic. Last evaluated: 2024-04-12. Review status: criteria provided, single submitter. Criteria: ACMG Guidelines, 2015. Collection method: clinical testing. Allele origin: germline. Not counted in ClinVar's aggregate classification.
Comment: A hybrid minigene functional assay has demonstrated skipping of exon 19 in the BRCA2 gene from this variant (Acedo et al. 2012. PubMed ID: 22632462). Another functional study shows that this variant causes reduced protein function compared to wildtype (Guidugli et al. 2012. PubMed ID: 23108138). Alternate missense changes at this amino acid (p.Gly2793Arg, p.Gly2793Val) are classified as pathogenic (Richardson et al. 2021. PubMed ID: 33609447). Although the classifications in ClinVar range from uncertain to pathogenic, the vast majority of recent entries are likely pathogenic or pathogenic. This variant has not been observed in a large population database, indicating this variant is rare. This variant is interpreted as likely pathogenic.

German Consortium for Hereditary Breast and Ovarian Cancer, University Hospital Cologne
Classification: Likely pathogenic for Hereditary breast ovarian cancer syndrome. Last evaluated: 2024-01-09. Review status: criteria provided, single submitter. Criteria: ClinGen BRCA2 V1.0.0. Collection method: curation. Allele origin: germline. Not counted in ClinVar's aggregate classification.
Comment: . According to the ClinGen ENIGMA BRCA2 v1.0.0 criteria we chose these criteria: PS3 (strong pathogenic): LOF in HRD-Assay (Richardson et al., (PMID:33609447) Own RNA-Analysis in patient derived blood sample revealed biallelic expression of variant in WT-transcript, PM2 (supporting pathogenic): not in gnomAD, PP3 (supporting pathogenic): CADD:29.5 REVEL: 0.916 HCI prior:0.81 BayesDEL:0.583972 spliceAI:BRCA2: 0.05

All of Us Research Program, National Institutes of Health
Classification: Likely pathogenic for Breast-ovarian cancer, familial, susceptibility to, 2. Last evaluated: 2023-07-19. Review status: criteria provided, single submitter. Criteria: ACMG Guidelines, 2015. Collection method: clinical testing. Allele origin: germline. Inheritance: Autosomal dominant inheritance. Observed: 1 variant allele, 1 heterozygote. Not counted in ClinVar's aggregate classification.
Comment: This missense variant replaces glycine with glutamic acid at codon 2793 of the BRCA2 protein. Computational prediction suggests that this variant may have deleterious impact on protein structure and function (internally defined REVEL score threshold >= 0.7, PMID: 27666373). Functional studies have shown that this variant results in impaired homology-directed DNA repair (PMID: 23108138, 29394989, 33609447) and abnormal splicing (PMID: 22632462). This variant has been reported in 3 individuals affected with breast or ovarian cancer (PMID: 33672545, Lovejoy 2018, Color internal data). Another variant at this amino acid (Gly2793Arg) has been classified as pathogenic (ClinVar Variant ID: 52569). This variant has not been identified in the general population by the Genome Aggregation Database (gnomAD). Based on the available evidence, this variant is classified as Likely Pathogenic.

This study involves interpretation of variants in research participants for the purpose of population health screening. Participant phenotype was not available at the time of variant classification. Additional details can be found in publication PMID: 35346344, PMCID: PMC8962531

GeneDx
Classification: Likely pathogenic. Last evaluated: 2023-01-31. Review status: criteria provided, single submitter. Criteria: GeneDx Variant Classification Process June 2021. Collection method: clinical testing. Allele origin: germline. Affected: yes. Not counted in ClinVar's aggregate classification.
Comment: Published functional studies demonstrate a damaging effect: significantly reduced homologous recombination DNA-repair activity (Guidugli et al., 2013; Guidugli et al., 2018; Iversen et al., 2022); Not observed at significant frequency in large population cohorts (gnomAD); Observed in individuals with breast cancer (Lovejoy et al., 2018; Butz et al., 2021); In silico analysis supports that this missense variant does not alter protein structure/function; Also known as 8606G>A; This variant is associated with the following publications: (PMID: 23108138, 24323938, 32623769, 25382762, 33609447, 33672545, 32170000, 19043619, 22632462, 12228710, 29884841, 32719484, 35665744, 10923033, 29394989)

Baylor Genetics
Classification: Likely pathogenic for Familial cancer of breast. Last evaluated: 2022-11-18. Review status: criteria provided, single submitter. Criteria: ACMG Guidelines, 2015. Collection method: clinical testing. Allele origin: unknown. Not counted in ClinVar's aggregate classification.

Cancer Variant Interpretation Group UK, Institute of Cancer Research, London
Classification: Pathogenic for Hereditary Breast and Ovarian Cancer. Last evaluated: 2019-02-14. Review status: criteria provided, single submitter. Criteria: ACMG Guidelines, 2015. Collection method: clinical testing. Allele origin: germline. Affected: yes. Observed: 5 variant alleles. Not counted in ClinVar's aggregate classification.
Comment: Data used in classification: Case control comparison of UK familial cases against ethnically matched population data (5/25,773 in familial UK cases against 0/56,856 GNOMAD NFE controls) 2-sided Fishers exact: pexact= 0.0030 (PS4_strong). Absent in the remainder of the gnomAD population (PM2_mod). This variant is predicted deleterious on AlignGVGD (class:C65), SIFT (Deleterious), Polyphen2 HumVar (probably damaging), CADD (29.8), Revel [0-1]: 0.916, Gavin class: Pathogenic, (confidence: genomewide) (PP3_sup). The variant is in the DNA-binding domain of BRCA2 (PM1_sup). In the BRCA2 Homology-Directed Repair Activity assay DNA Binding Domain assay (Guidugli et al Cancer Res 2013;73:265-275,Couch Lab), the variant has a probability of pathogenicity of P=1.0 (PS3_strong). Data not used in classification: There are additional reports of this variant in ClinVar (5), DMuDB (1), BIC(4), and BRCA2 LOVD(1). 5 Classifications on ClinVar as uncertain. Ambry classification: likely pathogenic.

BRCAlab, Lund University
Classification: Likely pathogenic for Breast-ovarian cancer, familial, susceptibility to, 2. Last evaluated: 2020-03-02. Review status: no assertion criteria provided. Collection method: clinical testing. Allele origin: germline. Affected: yes. Not counted in ClinVar's aggregate classification.

Sharing Clinical Reports Project (SCRP)
Classification: Uncertain significance for Breast-ovarian cancer, familial 2. Last evaluated: 2010-07-08. Review status: flagged submission. Collection method: clinical testing. Allele origin: germline. Not counted in ClinVar's aggregate classification.
ClinVar note: Reason: Outlier claim with insufficient supporting evidence

Breast Cancer Information Core (BIC) (BRCA2)
Classification: Uncertain significance for Breast-ovarian cancer, familial 2. Last evaluated: 2000-07-07. Review status: flagged submission. Collection method: clinical testing. Allele origin: germline. Affected: yes. Observed: 4 variant alleles. Not counted in ClinVar's aggregate classification.
ClinVar note: Reason: Outlier claim with insufficient supporting evidence

Literature cited by the submitters: PubMed 19043619 (cited by 3 submitters); PubMed 24323938 (cited by Women's Health and Genetics/Laboratory Corporation of America, LabCorp); PubMed 22632462 (cited by 5 submitters); PubMed 23108138 (cited by 6 submitters); PubMed 33609447 (cited by 6 submitters); PubMed 32719484 (cited by Women's Health and Genetics/Laboratory Corporation of America, LabCorp); PubMed 33672545 (cited by 5 submitters); PubMed 10923033 (cited by Labcorp Genetics (formerly Invitae), Labcorp); PubMed 29394989 (cited by 5 submitters); PubMed 29884841 (cited by 3 submitters); PubMed 12442275 (cited by Labcorp Genetics (formerly Invitae), Labcorp); PubMed 15889636 (cited by Labcorp Genetics (formerly Invitae), Labcorp); PubMed 16030099 (cited by Labcorp Genetics (formerly Invitae), Labcorp); PubMed 23233716 (cited by Labcorp Genetics (formerly Invitae), Labcorp and Ambry Genetics); PubMed 25085752 (cited by Labcorp Genetics (formerly Invitae), Labcorp); PubMed 25777348 (cited by Labcorp Genetics (formerly Invitae), Labcorp); PubMed 31853058 (cited by Color Diagnostics, LLC DBA Color Health); PubMed 39779848 (cited by Color Diagnostics, LLC DBA Color Health and Ambry Genetics); PubMed 39779857 (cited by Color Diagnostics, LLC DBA Color Health and Ambry Genetics); PubMed 39684258 (cited by Quest Diagnostics Nichols Institute San Juan Capistrano).